The following is an entry in ClinVar:

NM_000170.3(GLDC):c.678C>A (p.His226Gln)

Gene: GLDC (glycine decarboxylase; minus strand). Cytogenetic location: 9p24.1.
Variant type: single nucleotide variant.
Coding change: c.678C>A on transcript NM_000170.3 (MANE Select); coding-DNA position 678, C replaced by A.
Protein change: p.His226Gln; replaces histidine 226 with glutamine.
Molecular consequence: missense variant.
Genome position (GRCh38, 1-based): chr9:6,606,627, G>T on the plus strand (C>A on the coding strand, the complement: GLDC is on the minus strand). VCF-style: chr9-6606627-G-T. GRCh37 (hg19) VCF-style: chr9-6606627-G-T.
Other names: short protein forms H226Q.
Identifiers: ClinVar variation 1989790 (VCV001989790.1), dbSNP rs12006003, ClinGen allele CA372897534.

ClinVar aggregate classification (germline): Uncertain significance (1 of 4 stars; one submission).

Conditions:
Glycine encephalopathy. Also called: Nonketotic hyperglycinemia; Non-ketotic hyperglycinemia. Identifiers: Orphanet 407, MedGen C0751748, MONDO:0011612, HP:0008288.

gnomAD v4.1: 3 of 1,609,776 alleles (0.00019%); highest among the groups gnomAD compares: Admixed American, 0.005%; no homozygotes.

Submission:

Labcorp Genetics (formerly Invitae), Labcorp
Classification: Uncertain significance for Glycine encephalopathy. Last evaluated: 2022-03-18. Review status: criteria provided, single submitter. Criteria: Invitae Variant Classification Sherloc (09022015). Collection method: clinical testing. Allele origin: germline.
Comment: This sequence change replaces histidine, which is basic and polar, with glutamine, which is neutral and polar, at codon 226 of the GLDC protein (p.His226Gln). This variant is present in population databases (no rsID available, gnomAD 0.009%). This variant has not been reported in the literature in individuals affected with GLDC-related conditions. Advanced modeling of protein sequence and biophysical properties (such as structural, functional, and spatial information, amino acid conservation, physicochemical variation, residue mobility, and thermodynamic stability) performed at Invitae indicates that this missense variant is expected to disrupt GLDC protein function. In summary, the available evidence is currently insufficient to determine the role of this variant in disease. Therefore, it has been classified as a Variant of Uncertain Significance.